The following is an entry in ClinVar:

NM_021815.5(SLC5A7):c.815T>C (p.Val272Ala)

Gene: SLC5A7 (solute carrier family 5 member 7; plus strand). Cytogenetic location: 2q12.3.
Variant type: single nucleotide variant.
Coding change: c.815T>C on transcript NM_021815.5 (MANE Select); coding-DNA position 815, T replaced by C.
Protein change: p.Val272Ala; replaces valine 272 with alanine.
Molecular consequence: missense variant.
Genome position (GRCh38, 1-based): chr2:108,006,122, T>C. VCF-style: chr2-108006122-T-C. GRCh37 (hg19) VCF-style: chr2-108622578-T-C.
Other names: c.815T>C, p.Val272Ala (NM_001305005.3); c.500T>C, p.Val167Ala (NM_001305006.3); c.74T>C, p.Val25Ala (NM_001305007.3); c.815T>C (NM_021815.2); short protein forms V167A, V25A, V272A.
Identifiers: ClinVar variation 1063410 (VCV001063410.6), dbSNP rs772699592, ClinGen allele CA1819064.

ClinVar aggregate classification (germline): Uncertain significance. Review status: criteria provided, multiple submitters, no conflicts (2 of 4 stars). 2 submissions from 2 submitters: Uncertain significance (2). Last evaluated 2025-08-31.

Conditions:
Congenital myasthenic syndrome 20. Also called: Myasthenic syndrome, congenital, 20, presynaptic. Identifiers: MedGen C4310694, MONDO:0014939, OMIM 617143.
Neuronopathy, distal hereditary motor, type 7A. Also called: SPINAL MUSCULAR ATROPHY, DISTAL, WITH VOCAL CORD PARALYSIS; Neuronopathy, distal hereditary motor, type viia; NEURONOPATHY, DISTAL HEREDITARY MOTOR, HARDING TYPE VIIA; NEUROPATHY, DISTAL HEREDITARY MOTOR, HARDING TYPE VIIA; Neuronopathy, distal hereditary motor, autosomal dominant 7; HARPER-YOUNG MYOPATHY. Identifiers: Orphanet 139589, MedGen C1834703, MONDO:0008024, OMIM 158580.
Inborn genetic diseases. Identifiers: MedGen C0950123, MeSH D030342.

Allele frequency attached by ClinVar (database versions not stated): gnomAD exomes below 0.00001 and 0.00001; TOPMed below 0.00001; ExAC 0.00001; gnomAD 0.00001.
gnomAD v4.1: 6 of 1,614,066 alleles (0.00037%); highest among the groups gnomAD compares: East Asian, 0.0045%; no homozygotes.

Submissions (2):

Ambry Genetics
Classification: Uncertain significance for Inborn genetic diseases. Last evaluated: 2025-08-31. Review status: criteria provided, single submitter. Criteria: Ambry Variant Classification Scheme 2023. Collection method: clinical testing. Allele origin: germline.

Labcorp Genetics (formerly Invitae), Labcorp
Classification: Uncertain significance for Neuronopathy, distal hereditary motor, type 7A; Congenital myasthenic syndrome 20. Last evaluated: 2020-03-25. Review status: criteria provided, single submitter. Criteria: Invitae Variant Classification Sherloc (09022015). Collection method: clinical testing. Allele origin: germline.
Comment: In summary, the available evidence is currently insufficient to determine the role of this variant in disease. Therefore, it has been classified as a Variant of Uncertain Significance. Algorithms developed to predict the effect of missense changes on protein structure and function (SIFT, PolyPhen-2, Align-GVGD) all suggest that this variant is likely to be tolerated, but these predictions have not been confirmed by published functional studies and their clinical significance is uncertain. This variant has not been reported in the literature in individuals with SLC5A7-related conditions. This variant is present in population databases (rs772699592, ExAC 0.001%). This sequence change replaces valine with alanine at codon 272 of the SLC5A7 protein (p.Val272Ala). The valine residue is moderately conserved and there is a small physicochemical difference between valine and alanine.